The following is an entry in ClinVar:

ClinVar aggregate classification (germline): Benign/Likely benign. Review status: criteria provided, multiple submitters, no conflicts (2 of 4 stars). 2 submissions from 2 submitters: Benign (1); Likely benign (1). Last evaluated 2020-02-01.

Conditions:
Multiple sulfatase deficiency (MSD). Also called: Mucosulfatidosis; Multiple Sulfatase Deficiency Disease; Sulfatidosis, Juvenile, Austin Type. Identifiers: Orphanet 585, MedGen C0268263, MONDO:0010088, OMIM 272200.

Allele frequency attached by ClinVar (database versions not stated): gnomAD exomes 0.00088; gnomAD 0.00909 and 0.00972; 1000 Genomes Project 30x 0.00968; 1000 Genomes Project 0.00998; TOPMed 0.01019.
gnomAD v4.1: 2,444 of 1,299,890 alleles (0.19%); highest among the groups gnomAD compares: African/African-American, 3.2%; 31 homozygotes.

Submissions (2):

GeneDx
Classification: Likely benign. Last evaluated: 2020-02-01. Review status: criteria provided, single submitter. Criteria: GeneDx Variant Classification Process June 2021. Collection method: clinical testing. Allele origin: germline. Affected: yes.

Illumina Laboratory Services, Illumina
Classification: Benign for Multiple sulfatase deficiency. Last evaluated: 2018-01-12. Review status: criteria provided, single submitter. Criteria: ICSL Variant Classification Criteria 13 December 2019. Collection method: clinical testing. Allele origin: germline.
Comment: This variant was observed in the ICSL laboratory as part of a predisposition screen in an ostensibly healthy population. It had not been previously curated by ICSL or reported in the Human Gene Mutation Database (HGMD: prior to June 1st, 2018), and was therefore a candidate for classification through an automated scoring system. Utilizing variant allele frequency, disease prevalence and penetrance estimates, and inheritance mode, an automated score was calculated to assess if this variant is too frequent to cause the disease. Based on the score and internal cut-off values, a variant classified as benign is not then subjected to further curation. The score for this variant resulted in a classification of benign for this disease.

NM_182760.4(SUMF1):c.*92A>G

Gene: SUMF1 (sulfatase modifying factor 1; minus strand). Cytogenetic location: 3p26.1.
Variant type: single nucleotide variant.
Coding change: c.*92A>G on transcript NM_182760.4 (MANE Select); 92 bases downstream of the stop codon, A replaced by G.
Molecular consequence: 3 prime UTR variant.
Genome position (GRCh38, 1-based): chr3:4,362,052, T>C on the plus strand (A>G on the coding strand, the complement: SUMF1 is on the minus strand). VCF-style: chr3-4362052-T-C. GRCh37 (hg19) VCF-style: chr3-4403736-T-C.
Other names: c.*92A>G (NM_001164674.2, NM_001164675.2).
Identifiers: ClinVar variation 899406 (VCV000899406.7), dbSNP rs150796088, ClinGen allele CA68749345.